The following is an entry in ClinVar:

ClinVar aggregate classification (germline): Likely pathogenic; association. Review status: criteria provided, multiple submitters, no conflicts (2 of 4 stars). 3 submissions from 3 submitters: Likely pathogenic (1). 1 of the submissions does not count toward it. Last evaluated 2023-09-13.

Conditions:
Chronic myeloid leukemia. Also called: Chronic myelogenous leukemia; Chronic myelogenous leukemia, BCR-ABL1 positive. Identifiers: Orphanet 521, MedGen C0279543, MeSH D015464, MONDO:0011996, OMIM 608232, HP:0005506.
Leukemia, Philadelphia chromosome-positive, resistant to imatinib. Identifiers: MedGen C4016396.

Submissions (3):

KCCC/NGS Laboratory, Kuwait Cancer Control Center
Classification: association for Chronic myeloid leukemia. Last evaluated: 2023-09-13. Review status: criteria provided, single submitter. Criteria: Horak et al. (Genet Med. 2022). Collection method: clinical testing. Allele origin: somatic. Inheritance: Somatic mutation. Affected: yes.
Comment: ABL1, a tyrosine kinase, is frequently altered by chromosomal translocations in leukemia. The BCR-ABL1 fusion is known to be oncogenic. The ABL1 T315I is a known resistance mutation. Diagnostic Summary: The presence of a BCR-ABL1 fusion is consistent with the diagnosis of chronic myeloid leukemia. Therapeutic Summary: The presence of the BCR-ABL1 fusion in myeloproliferative neoplasms is diagnostic of chronic myelogenous leukemia (CML). The NCCN considers the ABL1 T315I mutation as "contraindicated" for the therapies imatinib, dasatinib, nilotinib, and bosutinib in patients with BCR-ABL1 positive (+) CML. The multikinase inhibitor ponatinib and the BCR-ABL1 inhibitor asciminib are FDA approved for adult patients with ABL1 T315I+ BCRABL1 fusion+ CML.

3billion
Classification: Likely pathogenic for Chronic myeloid leukemia. Last evaluated: 2022-03-22. Review status: criteria provided, single submitter. Criteria: ACMG Guidelines, 2015. Collection method: clinical testing. Allele origin: germline. Affected: yes. Observed: 1 heterozygote.
Comment: Same or different nucleotide change resulting in same amino acid change has been previously reported to be associated with ABL1 related disorder (ClinVar ID: VCV000012624). Different pathogenic/likely pathogenic amino acid change has been reported with supporting evidence at the same codon (ClinVar ID: VCV000376118). The variant is located in a mutational hot spot and/or well-established functional domain in which established pathogenic variants have been reported. A missense variant is a common mechanism. It is not observed in the gnomAD v2.1.1 dataset. Therefore, this variant is classified as likely pathogenic according to the recommendation of ACMG/AMP guideline.

OMIM
Classification: Pathogenic for LEUKEMIA, PHILADELPHIA CHROMOSOME-POSITIVE, RESISTANT TO IMATINIB. Last evaluated: 2015-03-05. Review status: no assertion criteria provided. Collection method: literature only. Allele origin: germline. Not counted in ClinVar's aggregate classification.

Literature cited by the submitters: PubMed 11423618 (cited by OMIM); PubMed 10988075 (cited by OMIM); PubMed 25686603 (cited by OMIM).

NM_005157.6(ABL1):c.944C>T (p.Thr315Ile)

Gene: ABL1 (ABL proto-oncogene 1, non-receptor tyrosine kinase; plus strand). Cytogenetic location: 9q34.12.
Variant type: single nucleotide variant.
Coding change: c.944C>T on transcript NM_005157.6 (MANE Select); coding-DNA position 944, C replaced by T.
Protein change: p.Thr315Ile; replaces threonine 315 with isoleucine.
Molecular consequence: missense variant.
Genome position (GRCh38, 1-based): chr9:130,872,896, C>T. VCF-style: chr9-130872896-C-T. GRCh37 (hg19) VCF-style: chr9-133748283-C-T.
Other names: c.1001C>T, p.Thr334Ile (NM_007313.3); c.944C>T (NM_005157.5); short protein forms T315I, T334I.
Identifiers: ClinVar variation 12624 (VCV000012624.3), dbSNP rs121913459, ClinGen allele CA122575.